The following is an entry in ClinVar:

Conditions:
Arteriohepatic dysplasia. Also called: Alagille Syndrome. Identifiers: Orphanet 52, MedGen C0085280, MeSH D016738, MONDO:0007318.

Submission:

Gilbert/Spinner Lab, Children's Hospital of Philadelphia
No classification provided (evidence only). Condition: Alagille syndrome. Review status: no classification provided. Collection method: research. Allele origin: not applicable. Functional consequence: functionally_abnormal.
ClinVar note: "not provided" was previously submitted as the classification for the variant. However, the classification appeared to be based only on an observation of functional data so it was converted to no classification on 2025-07-30.

NM_000214.3(JAG1):c.854A>C (p.Glu285Ala)

Gene: JAG1 (jagged canonical Notch ligand 1; minus strand). Cytogenetic location: 20p12.2.
Variant type: single nucleotide variant.
Coding change: c.854A>C on transcript NM_000214.3 (MANE Select); coding-DNA position 854, A replaced by C.
Protein change: p.Glu285Ala; replaces glutamic acid 285 with alanine.
Molecular consequence: missense variant.
Genome position (GRCh38, 1-based): chr20:10,652,500, T>G on the plus strand (A>C on the coding strand, the complement: JAG1 is on the minus strand). VCF-style: chr20-10652500-T-G. GRCh37 (hg19) VCF-style: chr20-10633148-T-G.
Other names: short protein forms E285A.
Identifiers: ClinVar variation 3573144 (VCV003573144.2).